The following is an entry in ClinVar:

NM_000821.7(GGCX):c.*463G>A

Gene: GGCX (gamma-glutamyl carboxylase; minus strand). Cytogenetic location: 2p11.2.
Variant type: single nucleotide variant.
Coding change: c.*463G>A on transcript NM_000821.7 (MANE Select); 463 bases downstream of the stop codon, G replaced by A.
Molecular consequence: 3 prime UTR variant.
Genome position (GRCh38, 1-based): chr2:85,549,471, C>T on the plus strand (G>A on the coding strand, the complement: GGCX is on the minus strand). VCF-style: chr2-85549471-C-T. GRCh37 (hg19) VCF-style: chr2-85776594-C-T.
Other names: c.*463G>A (NM_001142269.4).
Identifiers: ClinVar variation 337246 (VCV000337246.5), dbSNP rs553383801, ClinGen allele CA10614053.

ClinVar aggregate classification (germline): Likely benign (1 of 4 stars; one submission).

Conditions:
Vitamin K-dependent clotting factors, combined deficiency of, type 1. Also called: FACTORS II, VII, IX, AND X, COMBINED DEFICIENCY OF; FAMILIAL MULTIPLE COAGULATION FACTOR DEFICIENCY III; FMFD III; GLUTAMIC ACID, DEFICIENT GAMMA-CARBOXYLATION OF; MULTIPLE COAGULATION FACTOR DEFICIENCY III; VITAMIN K-DEPENDENT COAGULATION DEFECT. Identifiers: Orphanet 98434, MedGen C1848534, MONDO:0010187, OMIM 277450.

Allele frequency attached by ClinVar (database versions not stated): gnomAD exomes 0.00005; 1000 Genomes Project 0.00060; 1000 Genomes Project 30x 0.00078; gnomAD 0.00133 and 0.00149; TOPMed 0.00151.
gnomAD v4.1: 203 of 174,152 alleles (0.12%); highest among the groups gnomAD compares: African/African-American, 0.46%; no homozygotes.

Submission:

Illumina Laboratory Services, Illumina
Classification: Likely benign for Vitamin K-dependent clotting factors, combined deficiency of, type 1. Last evaluated: 2018-01-12. Review status: criteria provided, single submitter. Criteria: ICSL Variant Classification Criteria 13 December 2019. Collection method: clinical testing. Allele origin: germline.
Comment: This variant was observed in the ICSL laboratory as part of a predisposition screen in an ostensibly healthy population. It had not been previously curated by ICSL or reported in the Human Gene Mutation Database (HGMD: prior to June 1st, 2018), and was therefore a candidate for classification through an automated scoring system. Utilizing variant allele frequency, disease prevalence and penetrance estimates, and inheritance mode, an automated score was calculated to assess if this variant is too frequent to cause the disease. Based on the score and internal cut-off values, a variant classified as likely benign is not then subjected to further curation. The score for this variant resulted in a classification of likely benign for this disease.